The following is an entry in ClinVar:

ClinVar aggregate classification (germline): Uncertain significance. Review status: criteria provided, multiple submitters, no conflicts (2 of 4 stars). 2 submissions from 2 submitters: Uncertain significance (2). Last evaluated 2023-07-18.

Conditions:
Intellectual developmental disorder, X-linked, syndromic, Turner type. Also called: X-linked intellectual disability, Turner type; Intellectual disability, X-linked syndromic, Turner type. Identifiers: Orphanet 3056, Orphanet 85328, MedGen C2678046, MONDO:0010407, OMIM 309590.
Inborn genetic diseases. Identifiers: MedGen C0950123, MeSH D030342.

Allele frequency attached by ClinVar (database versions not stated): gnomAD exomes below 0.00001; TOPMed 0.00001.
gnomAD v4.1: 2 of 1,211,352 alleles (0.00017%); highest among the groups gnomAD compares: Non-Finnish European, 0.00022%; no homozygotes.

Submissions (2):

Pittsburgh Clinical Genomics Laboratory, University of Pittsburgh Medical Center
Classification: Uncertain significance for Intellectual developmental disorder, X-linked, syndromic, Turner type. Last evaluated: 2023-07-18. Review status: criteria provided, single submitter. Criteria: ACMG Guidelines, 2015. Collection method: clinical testing. Allele origin: germline. Inheritance: X-linked inheritance. Affected: yes.
Comment: This sequence variant is a single nucleotide substitution (G>T) at position 9922 of the coding sequence of the HUWE1 gene that results in a glycine to tryptophan amino acid change at residue 3308 of the HECT, UBA and WWE domain containing E3 ubiquitin protein ligase 1 protein. This is a previously reported variant (ClinVar 2345453) that has not been observed in individuals affected by an HUWE1-related disorder in the published literature, to our knowledge. This variant is absent from the gnomAD population database 0 of approximately 180,000 alleles). Multiple bioinformatic tools predict that this glycine to tryptophan acid change would be neutral, and the glycine residue at this position is highly conserved across the vertebrate species examined. Studies examining the functiol consequence of this variant have not been published, to our knowledge. At this time, there is insufficient evidence to determine if this variant is pathogenic or benign. Therefore, we consider this a variant of uncertain significance. ACMG Criteria: PM2, PP3

Ambry Genetics
Classification: Uncertain significance for Inborn genetic diseases. Last evaluated: 2022-06-03. Review status: criteria provided, single submitter. Criteria: Ambry Variant Classification Scheme 2023. Collection method: clinical testing. Allele origin: germline.

NM_031407.7(HUWE1):c.9922G>T (p.Gly3308Trp)

Gene: HUWE1 (HECT, UBA and WWE domain containing E3 ubiquitin protein ligase 1; minus strand). Cytogenetic location: Xp11.22.
Variant type: single nucleotide variant.
Coding change: c.9922G>T on transcript NM_031407.7 (MANE Select); coding-DNA position 9922, G replaced by T.
Protein change: p.Gly3308Trp; replaces glycine 3308 with tryptophan.
Molecular consequence: missense variant.
Genome position (GRCh38, 1-based): chrX:53,549,072, C>A on the plus strand (G>T on the coding strand, the complement: HUWE1 is on the minus strand). VCF-style: chrX-53549072-C-A. GRCh37 (hg19) VCF-style: chrX-53576033-C-A.
Other names: short protein forms G3308W.
Identifiers: ClinVar variation 2345453 (VCV002345453.3), dbSNP rs1240080253, ClinGen allele CA413137148.